The following is an entry in ClinVar:

ClinVar aggregate classification (germline): Uncertain significance (1 of 4 stars; one submission).

Conditions:
Emery-Dreifuss muscular dystrophy 5, autosomal dominant (EDMD5). Also called: EMERY-DREIFUSS MUSCULAR DYSTROPHY 5. Identifiers: Orphanet 261, MedGen C2751805, MONDO:0013072, OMIM 612999.

Submission:

Labcorp Genetics (formerly Invitae), Labcorp
Classification: Uncertain significance for Emery-Dreifuss muscular dystrophy 5, autosomal dominant. Last evaluated: 2024-11-12. Review status: criteria provided, single submitter. Criteria: Invitae Variant Classification Sherloc (09022015). Collection method: clinical testing. Allele origin: germline.
Comment: This sequence change replaces asparagine, which is neutral and polar, with serine, which is neutral and polar, at codon 6534 of the SYNE2 protein (p.Asn6534Ser). This variant is not present in population databases (gnomAD no frequency). This variant has not been reported in the literature in individuals affected with SYNE2-related conditions. An algorithm developed to predict the effect of missense changes on protein structure and function outputs the following: PolyPhen-2: "Benign". The serine amino acid residue is found in multiple mammalian species, which suggests that this missense change does not adversely affect protein function. In summary, the available evidence is currently insufficient to determine the role of this variant in disease. Therefore, it has been classified as a Variant of Uncertain Significance.

NM_182914.3(SYNE2):c.19601A>G (p.Asn6534Ser)

Gene: SYNE2 (spectrin repeat containing nuclear envelope protein 2; plus strand). Cytogenetic location: 14q23.2.
Variant type: single nucleotide variant.
Coding change: c.19601A>G on transcript NM_182914.3 (MANE Select); coding-DNA position 19601, A replaced by G.
Protein change: p.Asn6534Ser; replaces asparagine 6534 with serine.
Molecular consequence: missense variant.
Genome position (GRCh38, 1-based): chr14:64,218,456, A>G. VCF-style: chr14-64218456-A-G. GRCh37 (hg19) VCF-style: chr14-64685174-A-G.
Other names: c.19532A>G, p.Asn6511Ser (NM_015180.6); c.125A>G, p.Asn42Ser (NM_182910.2); c.503A>G, p.Asn168Ser (NM_182913.4); short protein forms N42S, N6511S, N168S, N6534S.
Identifiers: ClinVar variation 3710503 (VCV003710503.2).